The following is an entry in ClinVar:

ClinVar aggregate classification (germline): Uncertain significance. Review status: criteria provided, multiple submitters, no conflicts (2 of 4 stars). 2 submissions from 2 submitters: Uncertain significance (2). Last evaluated 2026-08-05.

Conditions:
Hereditary cancer-predisposing syndrome. Also called: Tumor predisposition; Hereditary Cancer Syndrome; Hereditary neoplastic syndrome; Neoplastic Syndromes, Hereditary. Identifiers: Orphanet 140162, MedGen C0027672, MeSH D009386, MONDO:0015356.

gnomAD v4.1: 1 of 1,614,118 alleles (0.000062%); highest among the groups gnomAD compares: African/African-American, 0.0013%; no homozygotes.

Submissions (2):

Ambry Genetics
Classification: Uncertain significance for Hereditary cancer-predisposing syndrome. Last evaluated: 2026-08-05. Review status: criteria provided, single submitter. Criteria: Ambry Variant Classification Scheme 2023. Collection method: clinical testing. Allele origin: germline.
Comment: The p.G253V variant (also known as c.758G>T), located in coding exon 4 of the MSH3 gene, results from a G to T substitution at nucleotide position 758. The glycine at codon 253 is replaced by valine, an amino acid with dissimilar properties. This amino acid position is highly conserved in available vertebrate species. In addition, this alteration is predicted to be deleterious by in silico analysis. Based on the available evidence, the clinical significance of this variant remains unclear.

Labcorp Genetics (formerly Invitae), Labcorp
Classification: Uncertain significance. Last evaluated: 2020-09-24. Review status: criteria provided, single submitter. Criteria: Invitae Variant Classification Sherloc (09022015). Collection method: clinical testing. Allele origin: germline.
Comment: This variant is not present in population databases (ExAC no frequency). In summary, the available evidence is currently insufficient to determine the role of this variant in disease. Therefore, it has been classified as a Variant of Uncertain Significance. Algorithms developed to predict the effect of missense changes on protein structure and function are either unavailable or do not agree on the potential impact of this missense change (SIFT: "Deleterious"; PolyPhen-2: "Probably Damaging"; Align-GVGD: "Class C0"). This variant has not been reported in the literature in individuals with MSH3-related conditions. This sequence change replaces glycine with valine at codon 253 of the MSH3 protein (p.Gly253Val). The glycine residue is highly conserved and there is a moderate physicochemical difference between glycine and valine.

NM_002439.5(MSH3):c.758G>T (p.Gly253Val)

Gene: MSH3 (mutS homolog 3; plus strand). Cytogenetic location: 5q14.1.
Variant type: single nucleotide variant.
Coding change: c.758G>T on transcript NM_002439.5 (MANE Select); coding-DNA position 758, G replaced by T.
Protein change: p.Gly253Val; replaces glycine 253 with valine.
Molecular consequence: missense variant.
Genome position (GRCh38, 1-based): chr5:80,670,275, G>T. VCF-style: chr5-80670275-G-T. GRCh37 (hg19) VCF-style: chr5-79966094-G-T.
Other names: c.758G>T (NM_002439.3); short protein forms G253V.
Identifiers: ClinVar variation 998804 (VCV000998804.9), dbSNP rs1434358007, ClinGen allele CA360266958.
Genomic context (GRCh38, chr5:80,670,275, plus strand): 5'-AATTACAATACATAGAAATGAAGCAGCAGCACAAAGATGCAGTTTTGTGTGTGGAATGTG[G>T]ATATAAGTATAGATTCTTTGGGGAAGATGCAGAGGTAAGTCGTCTTTTCAGGCACTATTT-3'
Protein context (NP_002430.3, residues 243-263): HKDAVLCVEC[Gly253Val]YKYRFFGEDA